The following is an entry in ClinVar:

ClinVar aggregate classification (germline): Conflicting classifications of pathogenicity. Review status: criteria provided, conflicting classifications (1 of 4 stars). 2 submissions from 2 submitters: Uncertain significance (1); Likely benign (1). Last evaluated 2025-10-15.

Conditions:
Inborn genetic diseases. Identifiers: MedGen C0950123, MeSH D030342.

gnomAD v4.1: 6 of 1,613,824 alleles (0.00037%); highest among the groups gnomAD compares: Non-Finnish European, 0.00051%; no homozygotes.

Submissions (2):

Ambry Genetics
Classification: Likely benign for Inborn genetic diseases. Last evaluated: 2025-10-15. Review status: criteria provided, single submitter. Criteria: Ambry Variant Classification Scheme 2023. Collection method: clinical testing. Allele origin: germline.

Labcorp Genetics (formerly Invitae), Labcorp
Classification: Uncertain significance. Last evaluated: 2024-03-03. Review status: criteria provided, single submitter. Criteria: Invitae Variant Classification Sherloc (09022015). Collection method: clinical testing. Allele origin: germline.
Comment: This sequence change replaces aspartic acid, which is acidic and polar, with asparagine, which is neutral and polar, at codon 1697 of the CACNA1E protein (p.Asp1697Asn). This variant is present in population databases (rs768500940, gnomAD 0.003%). This variant has not been reported in the literature in individuals affected with CACNA1E-related conditions. Advanced modeling of protein sequence and biophysical properties (such as structural, functional, and spatial information, amino acid conservation, physicochemical variation, residue mobility, and thermodynamic stability) has been performed at Invitae for this missense variant, however the output from this modeling did not meet the statistical confidence thresholds required to predict the impact of this variant on CACNA1E protein function. In summary, the available evidence is currently insufficient to determine the role of this variant in disease. Therefore, it has been classified as a Variant of Uncertain Significance.

NM_001205293.3(CACNA1E):c.5089G>A (p.Asp1697Asn)

Gene: CACNA1E (calcium voltage-gated channel subunit alpha1 E; plus strand). Cytogenetic location: 1q25.3.
Variant type: single nucleotide variant.
Coding change: c.5089G>A on transcript NM_001205293.3 (MANE Select); coding-DNA position 5089, G replaced by A.
Protein change: p.Asp1697Asn; replaces aspartic acid 1697 with asparagine.
Molecular consequence: missense variant.
Genome position (GRCh38, 1-based): chr1:181,772,181, G>A. VCF-style: chr1-181772181-G-A. GRCh37 (hg19) VCF-style: chr1-181741317-G-A.
Other names: c.5089G>A, p.Asp1697Asn (NM_000721.4); c.5032G>A, p.Asp1678Asn (NM_001205294.2); c.5089G>A (NM_001205293.1); short protein forms D1678N, D1697N.
Identifiers: ClinVar variation 3611085 (VCV003611085.3).
Genomic context (GRCh38, chr1:181,772,181, plus strand): 5'-GGCTGTGAGCCTGACACCACCGCACCATCAGGGCAGAACGAGAACGAACGCTGCGGCACC[G>A]ATCTGGCCTACGTGTACTTTGTCTCCTTCATCTTCTTCTGCTCCTTCTTGGTGAGCAACA-3'
Protein context (NP_001192222.1, residues 1687-1707): GQNENERCGT[Asp1697Asn]LAYVYFVSFI